The following is an entry in ClinVar:

NM_001378454.1(ALMS1):c.9616A>T (p.Thr3206Ser)

Gene: ALMS1 (ALMS1 centrosome and basal body associated protein; plus strand). Cytogenetic location: 2p13.1.
Variant type: single nucleotide variant.
Coding change: c.9616A>T on transcript NM_001378454.1 (MANE Select); coding-DNA position 9616, A replaced by T.
Protein change: p.Thr3206Ser; replaces threonine 3206 with serine.
Molecular consequence: missense variant.
Genome position (GRCh38, 1-based): chr2:73,519,851, A>T. VCF-style: chr2-73519851-A-T. GRCh37 (hg19) VCF-style: chr2-73746978-A-T.
Other names: c.9619A>T, p.Thr3207Ser (NM_015120.4); short protein forms T3207S, T3206S.
Identifiers: ClinVar variation 3654898 (VCV003654898.2).
Genomic context (GRCh38, chr2:73,519,851, plus strand): 5'-AAGACCCCACTTTCTGCTTTCTCTGAAAAATTGTCATCTGATGCAGTCACTCAGATAACA[A>T]CAGAAAGTCCAGAAAAGACCCTATTTTCATCTGAGATTTTTATTAATGCTGAAGATCGTG-3'
Protein context (NP_001365383.1, residues 3196-3216): LSSDAVTQIT[Thr3206Ser]ESPEKTLFSS

ClinVar aggregate classification (germline): Uncertain significance (1 of 4 stars; one submission).

Conditions:
Alstrom syndrome (ALMS). Identifiers: Orphanet 64, MedGen C0268425, MONDO:0008763, OMIM 203800.

Submission:

Labcorp Genetics (formerly Invitae), Labcorp
Classification: Uncertain significance for Alstrom syndrome. Last evaluated: 2024-05-28. Review status: criteria provided, single submitter. Criteria: Invitae Variant Classification Sherloc (09022015). Collection method: clinical testing. Allele origin: germline.
Comment: This sequence change replaces threonine, which is neutral and polar, with serine, which is neutral and polar, at codon 3207 of the ALMS1 protein (p.Thr3207Ser). This variant is not present in population databases (gnomAD no frequency). This variant has not been reported in the literature in individuals affected with ALMS1-related conditions. Experimental studies and prediction algorithms are not available or were not evaluated, and the functional significance of this variant is currently unknown. In summary, the available evidence is currently insufficient to determine the role of this variant in disease. Therefore, it has been classified as a Variant of Uncertain Significance.